The following is an entry in ClinVar:

NM_001355436.2(SPTB):c.1874del (p.Met625fs)

Gene: SPTB (spectrin beta, erythrocytic; minus strand). Cytogenetic location: 14q23.3.
Variant type: Deletion.
Coding change: c.1874del on transcript NM_001355436.2 (MANE Select); coding-DNA position 1874, one base deleted (T; older notation c.1874delT).
Protein change: p.Met625fs; shifts the reading frame from methionine 625.
Molecular consequence: frameshift variant.
Genome position (GRCh38, 1-based): chr14:64,793,789, A deleted on the plus strand (T on the coding strand, the reverse complement: SPTB is on the minus strand). VCF-style (leftmost placement, unchanged base first): chr14-64793788-CA-C. GRCh37 (hg19) VCF-style: chr14-65260506-CA-C.
Other names: c.1874del, p.Met625fs (NM_001024858.4, NM_001355437.2); short protein forms M625fs.
Identifiers: ClinVar variation 3345584 (VCV003345584.1).

ClinVar aggregate classification (germline): Likely pathogenic (0 of 4 stars; one submission).

Conditions:
SPTB-related disorder. Also called: SPTB-related condition; SPTB-Related Disorders.

Submission:

PreventionGenetics, part of Exact Sciences
Classification: Likely pathogenic for SPTB-related condition. Last evaluated: 2024-05-23. Review status: no assertion criteria provided. Collection method: clinical testing. Allele origin: germline.
Comment: The SPTB c.1874delT variant is predicted to result in a frameshift and premature protein termination (p.Met625Argfs*45). To our knowledge, this variant has not been reported in the literature or in a large population database, indicating this variant is rare. Frameshift variants in SPTB are expected to be pathogenic. This variant is interpreted as likely pathogenic.